The following is an entry in ClinVar:

NM_003737.4(DCHS1):c.8357G>A (p.Gly2786Asp)

Gene: DCHS1 (dachsous cadherin-related 1; minus strand). Cytogenetic location: 11p15.4.
Variant type: single nucleotide variant.
Coding change: c.8357G>A on transcript NM_003737.4 (MANE Select); coding-DNA position 8357, G replaced by A.
Protein change: p.Gly2786Asp; replaces glycine 2786 with aspartic acid.
Molecular consequence: missense variant.
Genome position (GRCh38, 1-based): chr11:6,623,319, C>T on the plus strand (G>A on the coding strand, the complement: DCHS1 is on the minus strand). VCF-style: chr11-6623319-C-T. GRCh37 (hg19) VCF-style: chr11-6644550-C-T.
Other names: short protein forms G2786D.
Identifiers: ClinVar variation 2320161 (VCV002320161.5), dbSNP rs764148393, ClinGen allele CA5859433.
Genomic context (GRCh38, chr11:6,623,319, plus strand): 5'-TCTCCAGTCACTAGCACCGACACAGTGACAGAGGCTGAGAGATTCCCAGCATCAGCAGCA[C>T]CCACCAGCAGCCGGAAGCTTTCTGTGTGCTCATAGTCAAAGGGCACTCGCGCACGCAACT-3'
Protein context (NP_003728.1, residues 2776-2796): EHTESFRLLV[Gly2786Asp]AADAGNLSAS

ClinVar aggregate classification (germline): Uncertain significance. Review status: criteria provided, multiple submitters, no conflicts (2 of 4 stars). 3 submissions from 3 submitters: Uncertain significance (3). Last evaluated 2025-01-07.

Conditions:
Inborn genetic diseases. Identifiers: MedGen C0950123, MeSH D030342.

Allele frequency attached by ClinVar (database versions not stated): TOPMed below 0.00001; ExAC 0.00004.

Submissions (3):

Labcorp Genetics (formerly Invitae), Labcorp
Classification: Uncertain significance. Last evaluated: 2025-01-07. Review status: criteria provided, single submitter. Criteria: Invitae Variant Classification Sherloc (09022015). Collection method: clinical testing. Allele origin: germline.
Comment: This sequence change replaces glycine, which is neutral and non-polar, with aspartic acid, which is acidic and polar, at codon 2786 of the DCHS1 protein (p.Gly2786Asp). The frequency data for this variant in the population databases is considered unreliable, as metrics indicate poor data quality at this position in the gnomAD database. This variant has not been reported in the literature in individuals affected with DCHS1-related conditions. ClinVar contains an entry for this variant (Variation ID: 2320161). Invitae Evidence Modeling of protein sequence and biophysical properties (such as structural, functional, and spatial information, amino acid conservation, physicochemical variation, residue mobility, and thermodynamic stability) indicates that this missense variant is expected to disrupt DCHS1 protein function with a positive predictive value of 80%. In summary, the available evidence is currently insufficient to determine the role of this variant in disease. Therefore, it has been classified as a Variant of Uncertain Significance.

Ambry Genetics
Classification: Uncertain significance for Inborn genetic diseases. Last evaluated: 2022-10-26. Review status: criteria provided, single submitter. Criteria: Ambry Variant Classification Scheme 2023. Collection method: clinical testing. Allele origin: germline.

Blueprint Genetics
Classification: Uncertain significance. Last evaluated: 2020-08-12. Review status: criteria provided, single submitter. Criteria: ACMG Guidelines, 2015. Collection method: clinical testing. Allele origin: germline.